The following is an entry in ClinVar:

NM_014806.5(RUSC2):c.4472C>G (p.Pro1491Arg)

Gene: RUSC2 (RUN and SH3 domain containing 2; plus strand). Cytogenetic location: 9p13.3.
Variant type: single nucleotide variant.
Coding change: c.4472C>G on transcript NM_014806.5 (MANE Select); coding-DNA position 4472, C replaced by G.
Protein change: p.Pro1491Arg; replaces proline 1491 with arginine.
Molecular consequence: missense variant. On other transcripts: non-coding transcript variant (1).
Genome position (GRCh38, 1-based): chr9:35,561,303, C>G. VCF-style: chr9-35561303-C-G. GRCh37 (hg19) VCF-style: chr9-35561300-C-G.
Other names: c.4472C>G, p.Pro1491Arg (NM_001135999.2); c.1838C>G, p.Pro613Arg (NM_001330740.2); short protein forms P1491R, P613R.
Identifiers: ClinVar variation 2097334 (VCV002097334.4), dbSNP rs2490421454, ClinGen allele CA373357987.

ClinVar aggregate classification (germline): Uncertain significance (1 of 4 stars; one submission).

Submission:

Labcorp Genetics (formerly Invitae), Labcorp
Classification: Uncertain significance. Last evaluated: 2022-04-06. Review status: criteria provided, single submitter. Criteria: Invitae Variant Classification Sherloc (09022015). Collection method: clinical testing. Allele origin: germline.
Comment: This sequence change replaces proline, which is neutral and non-polar, with arginine, which is basic and polar, at codon 1491 of the RUSC2 protein (p.Pro1491Arg). This variant is not present in population databases (gnomAD no frequency). This variant has not been reported in the literature in individuals affected with RUSC2-related conditions. Algorithms developed to predict the effect of missense changes on protein structure and function are either unavailable or do not agree on the potential impact of this missense change (SIFT: "Tolerated"; PolyPhen-2: "Possibly Damaging"; Align-GVGD: "Class C0"). In summary, the available evidence is currently insufficient to determine the role of this variant in disease. Therefore, it has been classified as a Variant of Uncertain Significance.